The following is an entry in ClinVar:

ClinVar aggregate classification (germline): Benign. Review status: criteria provided, multiple submitters, no conflicts (2 of 4 stars). 22 submissions from 15 submitters: Benign (20). 2 of the submissions do not count toward it. Last evaluated 2026-02-04.

Conditions:
Cardiovascular phenotype. Identifiers: MedGen CN230736.
Dilated cardiomyopathy 1G (CMD1G). Identifiers: Orphanet 154, MedGen C1858763, MONDO:0011400, OMIM 604145.
Autosomal recessive limb-girdle muscular dystrophy type 2J (LGMDR10). Also called: Limb-girdle muscular dystrophy, type 2J; MUSCULAR DYSTROPHY, LIMB-GIRDLE, AUTOSOMAL RECESSIVE 10. Identifiers: Orphanet 140922, MedGen C1837342, MONDO:0012127, OMIM 608807.
Early-onset myopathy with fatal cardiomyopathy (CMYO5). Also called: CONGENITAL MYOPATHY 5 WITH CARDIOMYOPATHY; Salih Myopathy. Identifiers: Orphanet 289377, MedGen C2673677, MONDO:0012714, OMIM 611705. Disease mechanism: loss of function.
Myopathy, myofibrillar, 9, with early respiratory failure (MFM9). Also called: MYOPATHY, PROXIMAL, WITH EARLY RESPIRATORY MUSCLE INVOLVEMENT; Myopathy, distal, with early respiratory failure, autosomal dominant; Hereditary myopathy with early respiratory failure; EDSTROM MYOPATHY. Identifiers: Orphanet 178464, Orphanet 34521, MedGen C1863599, MONDO:0011362, OMIM 603689.
Tibial muscular dystrophy (TMD). Also called: Tibial muscular dystrophy, tardive; UDD MYOPATHY; Udd Distal Myopathy – Tibial Muscular Dystrophy. Identifiers: Orphanet 609, MedGen C1838244, MONDO:0010870, OMIM 600334.

Allele frequency attached by ClinVar (database versions not stated): gnomAD exomes 0.24366 and 0.31821; ESP Exome Variant Server 0.30562; ExAC 0.31966; gnomAD 0.33531 and 0.33909; TOPMed 0.36382; 1000 Genomes Project 30x 0.48032; 1000 Genomes Project 0.48343.
gnomAD v4.1: 409,297 of 1,613,046 alleles (25%); highest among the groups gnomAD compares: East Asian, 65%; 63,237 homozygotes.

Submissions (22):

Labcorp Genetics (formerly Invitae), Labcorp
Classification: Benign for Dilated cardiomyopathy 1G; Autosomal recessive limb-girdle muscular dystrophy type 2J. Last evaluated: 2026-02-04. Review status: criteria provided, single submitter. Criteria: Invitae Variant Classification Sherloc (09022015). Collection method: clinical testing. Allele origin: germline.

Molecular Diagnostic Laboratory for Inherited Cardiovascular Disease, Montreal Heart Institute
Classification: Benign. Last evaluated: 2025-04-09. Review status: criteria provided, single submitter. Criteria: ACMG Guidelines, 2015. Collection method: clinical testing. Allele origin: germline. Affected: no.

Genome-Nilou Lab
Classification: Benign for Autosomal recessive limb-girdle muscular dystrophy type 2J. Last evaluated: 2021-09-10. Review status: criteria provided, single submitter. Criteria: ACMG Guidelines, 2015. Collection method: clinical testing. Allele origin: germline. Affected: no.

Genome-Nilou Lab
Classification: Benign for Myopathy, myofibrillar, 9, with early respiratory failure. Last evaluated: 2021-09-10. Review status: criteria provided, single submitter. Criteria: ACMG Guidelines, 2015. Collection method: clinical testing. Allele origin: germline. Affected: no.

Genome-Nilou Lab
Classification: Benign for Early-onset myopathy with fatal cardiomyopathy. Last evaluated: 2021-09-10. Review status: criteria provided, single submitter. Criteria: ACMG Guidelines, 2015. Collection method: clinical testing. Allele origin: germline. Affected: no.

Genome-Nilou Lab
Classification: Benign for Tibial muscular dystrophy. Last evaluated: 2021-09-10. Review status: criteria provided, single submitter. Criteria: ACMG Guidelines, 2015. Collection method: clinical testing. Allele origin: germline. Affected: no.

Women's Health and Genetics/Laboratory Corporation of America, LabCorp
Classification: Benign. Last evaluated: 2019-08-16. Review status: criteria provided, single submitter. Criteria: LabCorp Variant Classification Summary - May 2015. Collection method: clinical testing. Allele origin: germline.

Athena Diagnostics
Classification: Benign. Last evaluated: 2018-09-24. Review status: criteria provided, single submitter. Criteria: Athena Diagnostics Criteria. Collection method: clinical testing. Allele origin: germline.

Illumina Laboratory Services, Illumina
Classification: Benign for Tibial muscular dystrophy. Last evaluated: 2018-01-12. Review status: criteria provided, single submitter. Criteria: ICSL Variant Classification Criteria 13 December 2019. Collection method: clinical testing. Allele origin: germline.
Comment: This variant was observed in the ICSL laboratory as part of a predisposition screen in an ostensibly healthy population. It had not been previously curated by ICSL or reported in the Human Gene Mutation Database (HGMD: prior to June 1st, 2018), and was therefore a candidate for classification through an automated scoring system. Utilizing variant allele frequency, disease prevalence and penetrance estimates, and inheritance mode, an automated score was calculated to assess if this variant is too frequent to cause the disease. Based on the score and internal cut-off values, a variant classified as benign is not then subjected to further curation. The score for this variant resulted in a classification of benign for this disease.

Illumina Laboratory Services, Illumina
Classification: Benign for Autosomal recessive limb-girdle muscular dystrophy type 2J. Last evaluated: 2018-01-12. Review status: criteria provided, single submitter. Criteria: ICSL Variant Classification Criteria 13 December 2019. Collection method: clinical testing. Allele origin: germline.
Comment: the same text as in the submission from Illumina Laboratory Services, Illumina above.

Illumina Laboratory Services, Illumina
Classification: Benign for Early-onset myopathy with fatal cardiomyopathy. Last evaluated: 2018-01-12. Review status: criteria provided, single submitter. Criteria: ICSL Variant Classification Criteria 13 December 2019. Collection method: clinical testing. Allele origin: germline.
Comment: the same text as in the submission from Illumina Laboratory Services, Illumina above.

Illumina Laboratory Services, Illumina
Classification: Benign for Dilated cardiomyopathy 1G. Last evaluated: 2018-01-12. Review status: criteria provided, single submitter. Criteria: ICSL Variant Classification Criteria 13 December 2019. Collection method: clinical testing. Allele origin: germline.
Comment: the same text as in the submission from Illumina Laboratory Services, Illumina above.

Illumina Laboratory Services, Illumina
Classification: Benign for Myopathy, myofibrillar, 9, with early respiratory failure. Last evaluated: 2018-01-12. Review status: criteria provided, single submitter. Criteria: ICSL Variant Classification Criteria 13 December 2019. Collection method: clinical testing. Allele origin: germline.
Comment: the same text as in the submission from Illumina Laboratory Services, Illumina above.

Mayo Clinic Laboratories, Mayo Clinic
Classification: Benign. Last evaluated: 2017-07-25. Review status: criteria provided, single submitter. Criteria: ACMG Guidelines, 2015. Collection method: clinical testing. Allele origin: germline. Observed: 1,126 variant alleles.

Genetic Services Laboratory, University of Chicago
Classification: Benign for AllHighlyPenetrant. Last evaluated: 2013-08-15. Review status: criteria provided, single submitter. Criteria: ACMG Guidelines, 2007. Collection method: clinical testing. Allele origin: germline.

Ambry Genetics
Classification: Benign for Cardiovascular phenotype. Last evaluated: 2013-01-16. Review status: criteria provided, single submitter. Criteria: Ambry Autosomal Dominant and X-Linked criteria (10/2015). Collection method: clinical testing. Allele origin: germline. Observed: 1 variant allele.

GeneDx
Classification: Benign. Last evaluated: 2012-10-31. Review status: criteria provided, single submitter. Criteria: GeneDx Variant Classification (06012015). Collection method: clinical testing. Allele origin: germline. Affected: yes.
Comment: This variant is considered likely benign or benign based on one or more of the following criteria: it is a conservative change, it occurs at a poorly conserved position in the protein, it is predicted to be benign by multiple in silico algorithms, and/or has population frequency not consistent with disease.

Laboratory for Molecular Medicine, Mass General Brigham Personalized Medicine
Classification: Benign. Last evaluated: 2011-09-27. Review status: criteria provided, single submitter. Criteria: LMM Criteria. Collection method: clinical testing. Allele origin: germline. Observed: 891 variant alleles.

Breakthrough Genomics
Classification: Benign. Review status: criteria provided, single submitter. Criteria: ACMG Guidelines, 2015. Collection method: not provided. Allele origin: germline. Inheritance: Autosomal recessive inheritance. Affected: yes.

PreventionGenetics, part of Exact Sciences
Classification: Benign. Review status: criteria provided, single submitter. Criteria: ACMG Guidelines, 2015. Collection method: clinical testing. Allele origin: germline.

Clinical Genetics DNA and cytogenetics Diagnostics Lab, Erasmus MC, Erasmus Medical Center
Classification: Benign. Review status: no assertion criteria provided. Collection method: clinical testing. Allele origin: germline. Affected: yes. Study: VKGL Data-share Consensus. Not counted in ClinVar's aggregate classification.

Clinical Genetics, Academic Medical Center
Classification: Benign. Review status: no assertion criteria provided. Collection method: clinical testing. Allele origin: germline. Affected: yes. Study: VKGL Data-share Consensus. Not counted in ClinVar's aggregate classification.

NM_001267550.2(TTN):c.26289A>G (p.Glu8763=)

Gene: TTN (titin; minus strand). Cytogenetic location: 2q31.2.
Variant type: single nucleotide variant.
Coding change: c.26289A>G on transcript NM_001267550.2 (MANE Select); coding-DNA position 26289, A replaced by G.
Protein change: p.Glu8763=; no amino-acid change (glutamic acid 8763 retained).
Molecular consequence: synonymous variant. On other transcripts: intron variant (3).
Genome position (GRCh38, 1-based): chr2:178,714,485, T>C on the plus strand (A>G on the coding strand, the complement: TTN is on the minus strand). VCF-style: chr2-178714485-T-C. GRCh37 (hg19) VCF-style: chr2-179579212-T-C.
Other names: p.E8446E:GAA>GAG; p.Glu7519=; c.13282+23597A>G (NM_003319.4); c.13858+23597A>G (NM_133437.4); c.13657+23597A>G (NM_133432.3); c.25338A>G, p.Glu8446= (NM_001256850.1); c.22557A>G, p.Glu7519= (NM_133378.4).
Identifiers: ClinVar variation 46776 (VCV000046776.34), dbSNP rs2562838, ClinGen allele CA282977.